The following is an entry in ClinVar:

ClinVar aggregate classification (germline): Benign/Likely benign. Review status: criteria provided, multiple submitters, no conflicts (2 of 4 stars). 21 submissions from 19 submitters: Benign (5); Likely benign (9). 7 of the submissions do not count toward it. Last evaluated 2026-09-01.

Conditions:
SCN9A-related disorder. Also called: SCN9A-related disorders; SCN9A-related condition.
Inborn genetic diseases. Identifiers: MedGen C0950123, MeSH D030342.
Generalized epilepsy with febrile seizures plus, type 7 (GEFSP7). Also called: GEFS+, TYPE 7. Identifiers: Orphanet 36387, MedGen C2751778, MONDO:0013470, OMIM 613863.
Neuropathy, hereditary sensory and autonomic, type 2A (HSAN2A). Also called: MORVAN DISEASE; NEUROPATHY, CONGENITAL SENSORY; NEUROPATHY, HEREDITARY SENSORY RADICULAR, AUTOSOMAL RECESSIVE; NEUROPATHY, HEREDITARY SENSORY, TYPE IIA; NEUROPATHY, PROGRESSIVE SENSORY, OF CHILDREN; ACROOSTEOLYSIS, GIACCAI TYPE. Identifiers: Orphanet 970, MedGen C2752089, MONDO:0024309, OMIM 201300.
Primary erythromelalgia. Also called: primary erythermalgia; SCN9A Erythromelalgia (SCN9A-EM). Identifiers: Orphanet 306577, Orphanet 90026, MedGen C0014805, MONDO:0007571, OMIM 133020.
Channelopathy-associated congenital insensitivity to pain, autosomal recessive. Also called: ASYMBOLIA FOR PAIN; CONGENITAL ANALGESIA, AUTOSOMAL RECESSIVE; Insensitivity to pain, channelopathy-associated. Identifiers: Orphanet 88642, Orphanet 970, MedGen C1855739, MONDO:0009459, OMIM 243000.
Paroxysmal extreme pain disorder (PEXPD). Also called: SCN9A Paroxysmal Extreme Pain Disorder (SCN9A-PEPD); PAIN, SUBMANDIBULAR, OCULAR, AND RECTAL, WITH FLUSHING; RECTAL PAIN, FAMILIAL. Identifiers: Orphanet 46348, MedGen C1833661, MONDO:0008179, OMIM 167400.
Global developmental delay (DD). Also called: Cognitive delay. Identifiers: MedGen C0557874, HP:0001263. Disease mechanism: loss of function.
Hypoglycemia. Identifiers: MedGen C0020615, MONDO:0004946, HP:0001943.
Seizure. Also called: Seizures. Identifiers: MedGen C0036572, HP:0001250.

Allele frequency attached by ClinVar (database versions not stated): 1000 Genomes Project 0.00080; ExAC 0.00189; gnomAD 0.00176 and 0.00180; gnomAD exomes 0.00195 and 0.00240; 1000 Genomes Project 30x 0.00109; TOPMed 0.00181.
gnomAD v4.1: 3,744 of 1,612,600 alleles (0.23%); highest among the groups gnomAD compares: Admixed American, 0.3%; 5 homozygotes.

Submissions (21):

CeGaT Center for Human Genetics Tuebingen
Classification: Likely benign. Last evaluated: 2026-09-01. Review status: criteria provided, single submitter. Criteria: CeGaT Center For Human Genetics Tuebingen Variant Classification Criteria Version 2. Collection method: clinical testing. Allele origin: germline. Affected: yes. Observed: 16 variant alleles.
Comment: SCN9A: BP4, BS2

Labcorp Genetics (formerly Invitae), Labcorp
Classification: Benign for Neuropathy, hereditary sensory and autonomic, type 2A; Generalized epilepsy with febrile seizures plus, type 7. Last evaluated: 2026-02-03. Review status: criteria provided, single submitter. Criteria: Invitae Variant Classification Sherloc (09022015). Collection method: clinical testing. Allele origin: germline.

ARUP Laboratories, Molecular Genetics and Genomics, ARUP Laboratories
Classification: Likely benign. Last evaluated: 2025-04-17. Review status: criteria provided, single submitter. Criteria: ARUP Molecular Germline Variant Investigation Process 2024. Collection method: clinical testing. Allele origin: germline.

Blueprint Genetics
Classification: Likely benign. Last evaluated: 2024-11-25. Review status: criteria provided, single submitter. Criteria: ACMG Guidelines, 2015. Collection method: clinical testing. Allele origin: germline.

Mayo Clinic Laboratories, Mayo Clinic
Classification: Benign. Last evaluated: 2024-05-02. Review status: criteria provided, single submitter. Criteria: ACMG Guidelines, 2015. Collection method: clinical testing. Allele origin: germline. Observed: 14 variant alleles.
Comment: BS1, BS2, BP2

Athena Diagnostics
Classification: Benign. Last evaluated: 2024-01-24. Review status: criteria provided, single submitter. Criteria: Athena Diagnostics Criteria. Collection method: clinical testing. Allele origin: unknown.

Ambry Genetics
Classification: Likely benign for Inborn genetic diseases. Last evaluated: 2021-06-28. Review status: criteria provided, single submitter. Criteria: Ambry Variant Classification Scheme 2023. Collection method: clinical testing. Allele origin: germline.

GeneDx
Classification: Likely benign. Last evaluated: 2021-01-14. Review status: criteria provided, single submitter. Criteria: GeneDx Variant Classification Process June 2021. Collection method: clinical testing. Allele origin: germline. Affected: yes.
Comment: This variant is associated with the following publications: (PMID: 24717127, 22604722, 27504264, 23129781, 19763161, 25250524, 27582484, 27916648, 26264438, 29176367, 30642272, 30478917, 31372899)

Institute of Human Genetics, University of Leipzig Medical Center
Classification: Likely benign for Primary erythromelalgia. Last evaluated: 2019-01-01. Review status: criteria provided, single submitter. Criteria: ACMG Guidelines, 2015. Collection method: clinical testing. Allele origin: germline. Affected: yes.

Illumina Laboratory Services, Illumina
Classification: Benign for Primary erythromelalgia. Last evaluated: 2018-03-06. Review status: criteria provided, single submitter. Criteria: ICSL Variant Classification Criteria 13 December 2019. Collection method: clinical testing. Allele origin: germline.
Comment: This variant was observed in the ICSL laboratory as part of a predisposition screen in an ostensibly healthy population. It had not been previously curated by ICSL or reported in the Human Gene Mutation Database (HGMD: prior to June 1st, 2018), and was therefore a candidate for classification through an automated scoring system. Utilizing variant allele frequency, disease prevalence and penetrance estimates, and inheritance mode, an automated score was calculated to assess if this variant is too frequent to cause the disease. Based on the score and internal cut-off values, a variant classified as benign is not then subjected to further curation. The score for this variant resulted in a classification of benign for this disease.

Illumina Laboratory Services, Illumina
Classification: Likely benign for Channelopathy-associated congenital insensitivity to pain, autosomal recessive. Last evaluated: 2018-03-06. Review status: criteria provided, single submitter. Criteria: ICSL Variant Classification Criteria 13 December 2019. Collection method: clinical testing. Allele origin: germline.
Comment: This variant was observed in the ICSL laboratory as part of a predisposition screen in an ostensibly healthy population. It had not been previously curated by ICSL or reported in the Human Gene Mutation Database (HGMD: prior to June 1st, 2018), and was therefore a candidate for classification through an automated scoring system. Utilizing variant allele frequency, disease prevalence and penetrance estimates, and inheritance mode, an automated score was calculated to assess if this variant is too frequent to cause the disease. Based on the score and internal cut-off values, a variant classified as likely benign is not then subjected to further curation. The score for this variant resulted in a classification of likely benign for this disease.

Illumina Laboratory Services, Illumina
Classification: Benign for Paroxysmal extreme pain disorder. Last evaluated: 2018-03-06. Review status: criteria provided, single submitter. Criteria: ICSL Variant Classification Criteria 13 December 2019. Collection method: clinical testing. Allele origin: germline.
Comment: the same text as in the submission from Illumina Laboratory Services, Illumina above.

Genomic Research Center, Shahid Beheshti University of Medical Sciences
Classification: Likely benign for Generalized epilepsy with febrile seizures plus, type 7. Last evaluated: 2017-12-18. Review status: criteria provided, single submitter. Criteria: ACMG Guidelines, 2015. Collection method: clinical testing. Allele origin: inherited. Affected: yes.

Eurofins Ntd Llc (ga)
Classification: Likely benign. Last evaluated: 2014-04-15. Review status: criteria provided, single submitter. Criteria: EGL Classification Definitions 2015. Collection method: clinical testing. Allele origin: germline. Observed: 2 variant alleles, 2 heterozygotes.

PreventionGenetics, part of Exact Sciences
Classification: Likely benign for SCN9A-related condition. Last evaluated: 2020-05-14. Review status: no assertion criteria provided. Collection method: clinical testing. Allele origin: germline. Not counted in ClinVar's aggregate classification.
Comment: This variant is classified as likely benign based on ACMG/AMP sequence variant interpretation guidelines (Richards et al. 2015 PMID: 25741868, with internal and published modifications).

Centre for Mendelian Genomics, University Medical Centre Ljubljana
Classification: Uncertain significance for Global developmental delay; Hypoglycemia; Seizure. Last evaluated: 2016-01-14. Review status: no assertion criteria provided. Collection method: clinical testing. Allele origin: unknown. Affected: yes. Not counted in ClinVar's aggregate classification.

OMIM
Classification: Uncertain significance for RECLASSIFIED - VARIANT OF UNKNOWN SIGNIFICANCE. Last evaluated: 2009-09-01. Review status: no assertion criteria provided. Collection method: literature only. Allele origin: germline. Not counted in ClinVar's aggregate classification.

Clinical Genetics DNA and cytogenetics Diagnostics Lab, Erasmus MC, Erasmus Medical Center
Classification: Likely benign. Review status: no assertion criteria provided. Collection method: clinical testing. Allele origin: germline. Affected: yes. Study: VKGL Data-share Consensus. Not counted in ClinVar's aggregate classification.

Clinical Genetics, Academic Medical Center
Classification: Likely benign. Review status: no assertion criteria provided. Collection method: clinical testing. Allele origin: germline. Affected: yes. Study: VKGL Data-share Consensus. Not counted in ClinVar's aggregate classification.

Genome Diagnostics Laboratory, University Medical Center Utrecht
Classification: Likely benign. Review status: no assertion criteria provided. Collection method: clinical testing. Allele origin: germline. Affected: yes. Study: VKGL Data-share Consensus. Not counted in ClinVar's aggregate classification.

Joint Genome Diagnostic Labs from Nijmegen and Maastricht, Radboudumc and MUMC+
Classification: Likely benign. Review status: no assertion criteria provided. Collection method: clinical testing. Allele origin: germline. Affected: yes. Study: VKGL Data-share Consensus. Not counted in ClinVar's aggregate classification.

Literature cited by the submitters: PubMed 19763161 (cited by 3 submitters); PubMed 23129781 (cited by Mayo Clinic Laboratories, Mayo Clinic and Athena Diagnostics); PubMed 25250524 (cited by Mayo Clinic Laboratories, Mayo Clinic and Athena Diagnostics); PubMed 27504264 (cited by Mayo Clinic Laboratories, Mayo Clinic and Athena Diagnostics); PubMed 27582484 (cited by Mayo Clinic Laboratories, Mayo Clinic); PubMed 30478917 (cited by Mayo Clinic Laboratories, Mayo Clinic and Athena Diagnostics); PubMed 30642272 (cited by 3 submitters); PubMed 31372899 (cited by Mayo Clinic Laboratories, Mayo Clinic and Athena Diagnostics); PubMed 32062735 (cited by Mayo Clinic Laboratories, Mayo Clinic); PubMed 32766464 (cited by Mayo Clinic Laboratories, Mayo Clinic and Athena Diagnostics); PubMed 33216760 (cited by 3 submitters); PubMed 29176367 (cited by Athena Diagnostics); PubMed 36011376 (cited by Athena Diagnostics).

NM_001365536.1(SCN9A):c.1997A>G (p.Lys666Arg)

Genes: SCN1A-AS1 (SCN1A and SCN9A antisense RNA 1; plus strand), SCN9A (sodium voltage-gated channel alpha subunit 9; minus strand). Cytogenetic location: 2q24.3.
Variant type: single nucleotide variant.
Coding change: c.1997A>G on transcript NM_001365536.1 (MANE Select); coding-DNA position 1997, A replaced by G.
Protein change: p.Lys666Arg; replaces lysine 666 with arginine.
Molecular consequence: missense variant.
Genome position (GRCh38, 1-based): chr2:166,281,786, T>C on the plus strand (A>G on the coding strand, the complement: SCN9A is on the minus strand). VCF-style: chr2-166281786-T-C. GRCh37 (hg19) VCF-style: chr2-167138296-T-C.
Other names: K655R; c.1964A>G, p.Lys655Arg (NM_002977.4); short protein forms K666R.
Identifiers: ClinVar variation 6367 (VCV000006367.83), dbSNP rs121908919, ClinGen allele CA118167.